The following is an entry in ClinVar:

ClinVar aggregate classification (germline): Uncertain significance (1 of 4 stars; one submission).

Conditions:
Combined immunodeficiency due to DOCK8 deficiency (HIES2). Also called: HIES autosomal recessive; DOCK8 Deficiency; Hyper-IgE recurrent infection syndrome, autosomal recessive; HYPER-IgE RECURRENT INFECTION SYNDROME 2, AUTOSOMAL RECESSIVE; HYPER-IgE SYNDROME 2, AUTOSOMAL RECESSIVE, WITH RECURRENT INFECTIONS. Identifiers: Orphanet 217390, MedGen C4722305, MONDO:0009478, OMIM 243700.

Submission:

Labcorp Genetics (formerly Invitae), Labcorp
Classification: Uncertain significance for Combined immunodeficiency due to DOCK8 deficiency. Last evaluated: 2024-10-25. Review status: criteria provided, single submitter. Criteria: Invitae Variant Classification Sherloc (09022015). Collection method: clinical testing. Allele origin: germline.
Comment: This sequence change replaces histidine, which is basic and polar, with arginine, which is basic and polar, at codon 181 of the DOCK8 protein (p.His181Arg). This variant is not present in population databases (gnomAD no frequency). This variant has not been reported in the literature in individuals affected with DOCK8-related conditions. ClinVar contains an entry for this variant (Variation ID: 1502068). Invitae Evidence Modeling of protein sequence and biophysical properties (such as structural, functional, and spatial information, amino acid conservation, physicochemical variation, residue mobility, and thermodynamic stability) indicates that this missense variant is not expected to disrupt DOCK8 protein function with a negative predictive value of 80%. In summary, the available evidence is currently insufficient to determine the role of this variant in disease. Therefore, it has been classified as a Variant of Uncertain Significance.

NM_203447.4(DOCK8):c.542A>G (p.His181Arg)

Gene: DOCK8 (dedicator of cytokinesis 8; plus strand). Cytogenetic location: 9p24.3.
Variant type: single nucleotide variant.
Coding change: c.542A>G on transcript NM_203447.4 (MANE Select); coding-DNA position 542, A replaced by G.
Protein change: p.His181Arg; replaces histidine 181 with arginine.
Molecular consequence: missense variant.
Genome position (GRCh38, 1-based): chr9:311,967, A>G. VCF-style: chr9-311967-A-G. GRCh37 (hg19) VCF-style: chr9-311967-A-G.
Other names: c.338A>G, p.His113Arg (NM_001190458.2, NM_001193536.2); short protein forms H113R, H181R.
Identifiers: ClinVar variation 1502068 (VCV001502068.8), dbSNP rs1586671486, ClinGen allele CA372760085.